The following is an entry in ClinVar:

NM_004991.4(MECOM):c.2707A>G (p.Arg903Gly)

Gene: MECOM (MDS1 and EVI1 complex locus; minus strand). Cytogenetic location: 3q26.2.
Variant type: single nucleotide variant.
Coding change: c.2707A>G on transcript NM_004991.4 (MANE Select); coding-DNA position 2707, A replaced by G.
Protein change: p.Arg903Gly; replaces arginine 903 with glycine.
Molecular consequence: missense variant.
Genome position (GRCh38, 1-based): chr3:169,102,124, T>C on the plus strand (A>G on the coding strand, the complement: MECOM is on the minus strand). VCF-style: chr3-169102124-T-C. GRCh37 (hg19) VCF-style: chr3-168819912-T-C.
Other names: c.2338A>G, p.Arg780Gly (NM_001105077.4); c.2143A>G, p.Arg715Gly (NM_001105078.4, NM_001205194.2, NM_001366469.2 and 1 more transcripts); c.2119A>G, p.Arg707Gly (NM_001163999.2, NM_001366470.2); c.2116A>G, p.Arg706Gly (NM_001164000.2, NM_001366471.2, NM_001366472.2); c.2680A>G, p.Arg894Gly (NM_001366466.2); c.2146A>G, p.Arg716Gly (NM_001366467.2, NM_001366468.2); c.1708A>G, p.Arg570Gly (NM_001366473.2); c.1144A>G, p.Arg382Gly (NM_001366474.2); short protein forms R382G, R707G, R715G, R716G, R903G, R706G, R570G, R780G.
Identifiers: ClinVar variation 2111934 (VCV002111934.4), dbSNP rs2549283223, ClinGen allele CA355079330.
Genomic context (GRCh38, chr3:169,102,124, plus strand): 5'-AGGTATAGCGCTCCTTTCCCTTCCGCAGAAGGTTCTCTGGCAGGGCATTGGGAGGCGCCC[T>C]GAAGTTGAACATAGAGGGCACTGACTGTAAGAGCTCACTGGCCTCAGGTTTCAGGGCACT-3'
Protein context (NP_004982.2, residues 893-913): LQSVPSMFNF[Arg903Gly]APPNALPENL

ClinVar aggregate classification (germline): Uncertain significance (1 of 4 stars; one submission).

Submission:

Labcorp Genetics (formerly Invitae), Labcorp
Classification: Uncertain significance. Last evaluated: 2022-03-17. Review status: criteria provided, single submitter. Criteria: Invitae Variant Classification Sherloc (09022015). Collection method: clinical testing. Allele origin: germline.
Comment: In summary, the available evidence is currently insufficient to determine the role of this variant in disease. Therefore, it has been classified as a Variant of Uncertain Significance. Algorithms developed to predict the effect of missense changes on protein structure and function are either unavailable or do not agree on the potential impact of this missense change (SIFT: "Deleterious"; PolyPhen-2: "Benign"; Align-GVGD: "Class C0"). This variant has not been reported in the literature in individuals affected with MECOM-related conditions. This variant is not present in population databases (gnomAD no frequency). This sequence change replaces arginine, which is basic and polar, with glycine, which is neutral and non-polar, at codon 715 of the MECOM protein (p.Arg715Gly).